The following is an entry in ClinVar:

ClinVar aggregate classification (germline): Conflicting classifications of pathogenicity. Review status: criteria provided, conflicting classifications (1 of 4 stars). 3 submissions from 3 submitters: Likely pathogenic (1); Uncertain significance (2). Last evaluated 2023-12-22.

Allele frequency attached by ClinVar (database versions not stated): gnomAD exomes below 0.00001 and 0.00001; ExAC 0.00001; TOPMed 0.00001; gnomAD 0.00002.
gnomAD v4.1: 5 of 1,614,066 alleles (0.00031%); highest among the groups gnomAD compares: Admixed American, 0.0017%; no homozygotes.

Submissions (3):

Women's Health and Genetics/Laboratory Corporation of America, LabCorp
Classification: Uncertain significance. Last evaluated: 2023-12-22. Review status: criteria provided, single submitter. Criteria: LabCorp Variant Classification Summary - May 2015. Collection method: clinical testing. Allele origin: germline.
Comment: Variant summary: QARS1 c.1570C>T (p.Arg524Trp) results in a non-conservative amino acid change located in the Glutamyl/glutaminyl-tRNA synthetase, class Ib, catalytic domain (IPR020058) of the encoded protein sequence. Five of five in-silico tools predict a damaging effect of the variant on protein function. The variant allele was found at a frequency of 1.1e-05 in 282846 control chromosomes. The available data on variant occurrences in the general population are insufficient to allow any conclusion about variant significance. To our knowledge, no occurrence of c.1570C>T in individuals affected with Diffuse Cerebral And Cerebellar Atrophy-Intractable Seizures-Progressive Microcephaly Syndrome and no experimental evidence demonstrating its impact on protein function have been reported. Two submitters have cited clinical-significance assessments for this variant to ClinVar after 2014. One submitter classified the variant as likely pathogenic, and one submitter classified the variant as uncertain significance. Based on the evidence outlined above, the variant was classified as uncertain significance.

Labcorp Genetics (formerly Invitae), Labcorp
Classification: Uncertain significance. Last evaluated: 2021-10-28. Review status: criteria provided, single submitter. Criteria: Invitae Variant Classification Sherloc (09022015). Collection method: clinical testing. Allele origin: germline.
Comment: This sequence change replaces arginine, which is basic and polar, with tryptophan, which is neutral and slightly polar, at codon 524 of the QARS protein (p.Arg524Trp). This variant is present in population databases (rs774980346, gnomAD 0.002%). This variant has not been reported in the literature in individuals affected with QARS-related conditions. ClinVar contains an entry for this variant (Variation ID: 374729). Algorithms developed to predict the effect of missense changes on protein structure and function (SIFT, PolyPhen-2, Align-GVGD) all suggest that this variant is likely to be disruptive. In summary, the available evidence is currently insufficient to determine the role of this variant in disease. Therefore, it has been classified as a Variant of Uncertain Significance.

CeGaT Center for Human Genetics Tuebingen
Classification: Likely pathogenic. Last evaluated: 2016-07-01. Review status: criteria provided, single submitter. Criteria: CeGaT Center For Human Genetics Tuebingen Variant Classification Criteria Version 2. Collection method: clinical testing. Allele origin: germline. Affected: yes. Observed: 1 variant allele.

NM_005051.3(QARS1):c.1570C>T (p.Arg524Trp)

Gene: QARS1 (glutaminyl-tRNA synthetase 1; minus strand). Cytogenetic location: 3p21.31.
Variant type: single nucleotide variant.
Coding change: c.1570C>T on transcript NM_005051.3 (MANE Select); coding-DNA position 1570, C replaced by T.
Protein change: p.Arg524Trp; replaces arginine 524 with tryptophan.
Molecular consequence: missense variant. On other transcripts: non-coding transcript variant (1).
Genome position (GRCh38, 1-based): chr3:49,099,388, G>A on the plus strand (C>T on the coding strand, the complement: QARS1 is on the minus strand). VCF-style: chr3-49099388-G-A. GRCh37 (hg19) VCF-style: chr3-49136821-G-A.
Other names: c.1537C>T, p.Arg513Trp (NM_001272073.2); short protein forms R524W, R513W.
Identifiers: ClinVar variation 374729 (VCV000374729.46), dbSNP rs774980346, ClinGen allele CA2391703.